The following is an entry in ClinVar:

ClinVar aggregate classification (germline): Uncertain significance (1 of 4 stars; one submission).

Conditions:
Adams-Oliver syndrome 5 (AOS5). Identifiers: Orphanet 974, MedGen C4014970, MONDO:0014459, OMIM 616028.

Submission:

Labcorp Genetics (formerly Invitae), Labcorp
Classification: Uncertain significance for Adams-Oliver syndrome 5. Last evaluated: 2021-04-28. Review status: criteria provided, single submitter. Criteria: Invitae Variant Classification Sherloc (09022015). Collection method: clinical testing. Allele origin: germline.
Comment: This sequence change replaces cysteine with arginine at codon 904 of the NOTCH1 protein (p.Cys904Arg). The cysteine residue is highly conserved and there is a large physicochemical difference between cysteine and arginine. This variant is not present in population databases (ExAC no frequency). In summary, the available evidence is currently insufficient to determine the role of this variant in disease. Therefore, it has been classified as a Variant of Uncertain Significance. Algorithms developed to predict the effect of missense changes on protein structure and function (SIFT, PolyPhen-2, Align-GVGD) all suggest that this variant is likely to be disruptive, but these predictions have not been confirmed by published functional studies and their clinical significance is uncertain. This variant has not been reported in the literature in individuals with NOTCH1-related conditions.

NM_017617.5(NOTCH1):c.2710T>C (p.Cys904Arg)

Gene: NOTCH1 (notch receptor 1; minus strand). Cytogenetic location: 9q34.3.
Variant type: single nucleotide variant.
Coding change: c.2710T>C on transcript NM_017617.5 (MANE Select); coding-DNA position 2710, T replaced by C.
Protein change: p.Cys904Arg; replaces cysteine 904 with arginine.
Molecular consequence: missense variant.
Genome position (GRCh38, 1-based): chr9:136,510,683, A>G on the plus strand (T>C on the coding strand, the complement: NOTCH1 is on the minus strand). VCF-style: chr9-136510683-A-G. GRCh37 (hg19) VCF-style: chr9-139405135-A-G.
Other names: short protein forms C904R.
Identifiers: ClinVar variation 948632 (VCV000948632.9), dbSNP rs1843166003, ClinGen allele CA375554812.
Genomic context (GRCh38, chr9:136,510,683, plus strand): 5'-GGAGGAGGCCAGAGCCGCGGGGCTACTCACTGGGCCGGCAGTCGTCGATGTCGGTCTCGC[A>G]GTTGCGCCCACTGTAGCCGGCCTGGCAGTGGCAGCGGTAGCCGCCGTGGGTGTTCTGGCA-3'
Protein context (NP_060087.3, residues 894-914): HCQAGYSGRN[Cys904Arg]ETDIDDCRPN